The following is an entry in ClinVar:

NM_004304.5(ALK):c.3088C>A (p.His1030Asn)

Gene: ALK (ALK receptor tyrosine kinase; minus strand). Cytogenetic location: 2p23.2.
Variant type: single nucleotide variant.
Coding change: c.3088C>A on transcript NM_004304.5 (MANE Select); coding-DNA position 3088, C replaced by A.
Protein change: p.His1030Asn; replaces histidine 1030 with asparagine.
Molecular consequence: missense variant.
Genome position (GRCh38, 1-based): chr2:29,225,545, G>T on the plus strand (C>A on the coding strand, the complement: ALK is on the minus strand). VCF-style: chr2-29225545-G-T. GRCh37 (hg19) VCF-style: chr2-29448411-G-T.
Other names: short protein forms H1030N.
Identifiers: ClinVar variation 4272322 (VCV004272322.1).

ClinVar aggregate classification (germline): Uncertain significance (1 of 4 stars; one submission).

Conditions:
Hereditary cancer-predisposing syndrome. Also called: Hereditary Cancer Syndrome; Hereditary neoplastic syndrome; Neoplastic Syndromes, Hereditary; Tumor predisposition. Identifiers: Orphanet 140162, MedGen C0027672, MeSH D009386, MONDO:0015356.

Submission:

Ambry Genetics
Classification: Uncertain significance for Hereditary cancer-predisposing syndrome. Last evaluated: 2025-06-28. Review status: criteria provided, single submitter. Criteria: Ambry Variant Classification Scheme 2023. Collection method: clinical testing. Allele origin: germline.
Comment: The p.H1030N variant (also known as c.3088C>A), located in coding exon 19 of the ALK gene, results from a C to A substitution at nucleotide position 3088. The histidine at codon 1030 is replaced by asparagine, an amino acid with similar properties. This amino acid position is conserved. In addition, this alteration is predicted to be tolerated by in silico analysis. Based on the available evidence, the clinical significance of this variant remains unclear.